The following is an entry in ClinVar:

NC_000023.10:g.(?_31838072)_(32756908_?)del

Gene: DMD (dystrophin; minus strand). Cytogenetic location: Xp21.1.
Variant type: Deletion.
Identifiers: ClinVar variation 2424941 (VCV002424941.5).

ClinVar aggregate classification (germline): Pathogenic (1 of 4 stars; one submission).

Conditions:
Duchenne muscular dystrophy (DMD). Also called: Duchenne Muscular Dystrophy (DMD); MUSCULAR DYSTROPHY, PSEUDOHYPERTROPHIC PROGRESSIVE, DUCHENNE TYPE. Identifiers: Orphanet 98896, MedGen C0013264, MONDO:0010679, OMIM 310200.

Submission:

Labcorp Genetics (formerly Invitae), Labcorp
Classification: Pathogenic for Duchenne muscular dystrophy. Last evaluated: 2022-07-03. Review status: criteria provided, single submitter. Criteria: Invitae Variant Classification Sherloc (09022015). Collection method: clinical testing. Allele origin: germline.
Comment: For these reasons, this variant has been classified as Pathogenic. This variant disrupts a region of the DMD protein in which other variant(s) (Exons 9-44) have been determined to be pathogenic (Invitae). This suggests that this is a clinically significant region of the protein, and that variants that disrupt it are likely to be disease-causing. This variant has not been reported in the literature in individuals affected with DMD-related conditions. This variant is a gross deletion of the genomic region encompassing exon(s) 8-50 of the DMD gene. This variant would be expected to be in-frame, preserving the integrity of the reading frame.